The following is an entry in ClinVar:

NM_002838.5(PTPRC):c.523C>T (p.His175Tyr)

Gene: PTPRC (protein tyrosine phosphatase receptor type C; plus strand). Cytogenetic location: 1q32.1.
Variant type: single nucleotide variant.
Coding change: c.523C>T on transcript NM_002838.5 (MANE Select); coding-DNA position 523, C replaced by T.
Protein change: p.His175Tyr; replaces histidine 175 with tyrosine.
Molecular consequence: missense variant. On other transcripts: intron variant (1).
Genome position (GRCh38, 1-based): chr1:198,702,470, C>T. VCF-style: chr1-198702470-C-T. GRCh37 (hg19) VCF-style: chr1-198671599-C-T.
Other names: c.101-828C>T (NM_080921.4); short protein forms H175Y.
Identifiers: ClinVar variation 841596 (VCV000841596.7), dbSNP rs758362738, ClinGen allele CA1314521.

ClinVar aggregate classification (germline): Uncertain significance (1 of 4 stars; one submission).

Conditions:
Immunodeficiency 104. Also called: SCID, AUTOSOMAL RECESSIVE, T CELL-NEGATIVE, B CELL-POSITIVE, NK CELL-POSITIVE; Severe combined immunodeficiency, autosomal recessive, T cell-negative, B cell-positive, NK cell-positive; Severe Combined Immune Deficiency, Autosomal Recessive, TCell -Negative, B Cell-Positive, NK Cell-Positive, IL7R-Related; IMMUNODEFICIENCY 104, SEVERE COMBINED. Identifiers: MedGen C5676890, MONDO:0012163, OMIM 608971.

Allele frequency attached by ClinVar (database versions not stated): gnomAD exomes below 0.00001 and 0.00001; ExAC 0.00002.
gnomAD v4.1: 4 of 1,614,162 alleles (0.00025%); highest among the groups gnomAD compares: Middle Eastern, 0.017%; no homozygotes.

Submission:

Labcorp Genetics (formerly Invitae), Labcorp
Classification: Uncertain significance for Immunodeficiency 104. Last evaluated: 2021-08-27. Review status: criteria provided, single submitter. Criteria: Invitae Variant Classification Sherloc (09022015). Collection method: clinical testing. Allele origin: germline.
Comment: This sequence change replaces histidine with tyrosine at codon 175 of the PTPRC protein (p.His175Tyr). The histidine residue is weakly conserved and there is a moderate physicochemical difference between histidine and tyrosine. This variant is present in population databases (rs758362738, ExAC 0.003%). This variant has not been reported in the literature in individuals affected with PTPRC-related conditions. Algorithms developed to predict the effect of missense changes on protein structure and function are either unavailable or do not agree on the potential impact of this missense change (SIFT: "Deleterious"; PolyPhen-2: "Benign"; Align-GVGD: "Class C0"). In summary, the available evidence is currently insufficient to determine the role of this variant in disease. Therefore, it has been classified as a Variant of Uncertain Significance.